The following is an entry in ClinVar:

NM_001378120.1(MBD5):c.4021G>A (p.Val1341Ile)

Gene: MBD5 (methyl-CpG binding domain protein 5; plus strand). Cytogenetic location: 2q23.1.
Variant type: single nucleotide variant.
Coding change: c.4021G>A on transcript NM_001378120.1 (MANE Select); coding-DNA position 4021, G replaced by A.
Protein change: p.Val1341Ile; replaces valine 1341 with isoleucine.
Molecular consequence: missense variant.
Genome position (GRCh38, 1-based): chr2:148,489,653, G>A. VCF-style: chr2-148489653-G-A. GRCh37 (hg19) VCF-style: chr2-149247222-G-A.
Other names: c.3322G>A, p.Val1108Ile (NM_001438862.1, NM_018328.5, NM_001438855.1 and 3 more transcripts); c.4021G>A, p.Val1341Ile (NM_001438854.1, NM_001438856.1, NM_001438857.1 and 1 more transcripts); short protein forms V1108I, V1341I.
Identifiers: ClinVar variation 4744932 (VCV004744932.1).

ClinVar aggregate classification (germline): Uncertain significance (1 of 4 stars; one submission).

Conditions:
Intellectual developmental disorder, autosomal dominant 1. Also called: MBD5 Haploinsufficiency; Intellectual disability, autosomal dominant 1. Identifiers: Orphanet 228402, MedGen C1969562, MONDO:0007974, OMIM 156200.

gnomAD v4.1: 4 of 1,614,232 alleles (0.00025%); highest among the groups gnomAD compares: East Asian, 0.0045%; no homozygotes.

Submission:

Labcorp Genetics (formerly Invitae), Labcorp
Classification: Uncertain significance for Intellectual developmental disorder, autosomal dominant 1. Last evaluated: 2025-02-26. Review status: criteria provided, single submitter. Criteria: Invitae Variant Classification Sherloc (09022015). Collection method: clinical testing. Allele origin: germline.
Comment: This sequence change replaces valine, which is neutral and non-polar, with isoleucine, which is neutral and non-polar, at codon 1108 of the MBD5 protein (p.Val1108Ile). This variant is present in population databases (rs746291268, gnomAD 0.02%). This variant has not been reported in the literature in individuals affected with MBD5-related conditions. Invitae Evidence Modeling of protein sequence and biophysical properties (such as structural, functional, and spatial information, amino acid conservation, physicochemical variation, residue mobility, and thermodynamic stability) indicates that this missense variant is not expected to disrupt MBD5 protein function with a negative predictive value of 80%. In summary, the available evidence is currently insufficient to determine the role of this variant in disease. Therefore, it has been classified as a Variant of Uncertain Significance.